The following is an entry in ClinVar:

ClinVar aggregate classification (germline): Uncertain significance (1 of 4 stars; one submission).

Allele frequency attached by ClinVar (database versions not stated): gnomAD exomes below 0.00001.
gnomAD v4.1: 1 of 1,595,750 alleles (0.000063%); highest among the groups gnomAD compares: African/African-American, 0.0014%; no homozygotes.

Submission:

GeneDx
Classification: Uncertain significance. Last evaluated: 2019-05-21. Review status: criteria provided, single submitter. Criteria: GeneDx Variant Classification Process June 2021. Collection method: clinical testing. Allele origin: germline. Affected: yes.
Comment: Not observed in large population cohorts (Lek et al., 2016); In silico analysis, which includes protein predictors and evolutionary conservation, supports a deleterious effect; Has not been previously published as pathogenic or benign to our knowledge

NM_001134673.4(NFIA):c.36T>A (p.Phe12Leu)

Gene: NFIA (nuclear factor I A; plus strand). Cytogenetic location: 1p31.3.
Variant type: single nucleotide variant.
Coding change: c.36T>A on transcript NM_001134673.4 (MANE Select); coding-DNA position 36, T replaced by A.
Protein change: p.Phe12Leu; replaces phenylalanine 12 with leucine.
Molecular consequence: missense variant.
Genome position (GRCh38, 1-based): chr1:61,088,157, T>A. VCF-style: chr1-61088157-T-A. GRCh37 (hg19) VCF-style: chr1-61553829-T-A.
Other names: c.12T>A, p.Phe4Leu (NM_001145511.2); c.171T>A, p.Phe57Leu (NM_001145512.2); c.36T>A, p.Phe12Leu (NM_005595.5); short protein forms F12L, F4L, F57L.
Identifiers: ClinVar variation 1305854 (VCV001305854.2), dbSNP rs2100413954, ClinGen allele CA340586135.